The following is an entry in ClinVar:

NM_005609.4(PYGM):c.1904dup (p.Ala636fs)

Gene: PYGM (glycogen phosphorylase, muscle associated; minus strand). Cytogenetic location: 11q13.1.
Variant type: Duplication.
Coding change: c.1904dup on transcript NM_005609.4 (MANE Select); coding-DNA position 1904, one base duplicated (C; older notation c.1904dupC).
Protein change: p.Ala636fs; shifts the reading frame from alanine 636.
Molecular consequence: frameshift variant.
Genome position (GRCh38, 1-based): chr11:64,751,390, G duplicated on the plus strand (C on the coding strand, the reverse complement: PYGM is on the minus strand); the first of 3 consecutive G bases (chr11:64,751,390-64,751,392); duplicating any one gives the same sequence. VCF-style (leftmost placement, unchanged base first): chr11-64751389-C-CG. GRCh37 (hg19) VCF-style: chr11-64518861-C-CG.
Other names: c.1640dup, p.Ala548fs (NM_001164716.1); short protein forms A548fs, A636fs.
Identifiers: ClinVar variation 5012008 (VCV005012008.1).

ClinVar aggregate classification (germline): Pathogenic (1 of 4 stars; one submission).

Conditions:
Glycogen storage disease, type V (GSD5). Also called: MCARDLE DISEASE; MUSCLE GLYCOGEN PHOSPHORYLASE DEFICIENCY; MYOPHOSPHORYLASE DEFICIENCY; PYGM DEFICIENCY; McArdle type glycogen storage disease. Identifiers: Orphanet 368, MedGen C0017924, MONDO:0009293, OMIM 232600.

Submission:

Myriad Genetics, Inc.
Classification: Pathogenic for Glycogen storage disease, type V. Last evaluated: 2023-09-27. Review status: criteria provided, single submitter. Criteria: Myriad Autosomal Dominant, Autosomal Recessive and X-Linked Classification Criteria (2023). Collection method: clinical testing. Allele origin: unknown.
Comment: NM_005609.2(PYGM):c.1904dupC(A636Gfs*4) is expected to be pathogenic in the context of glycogen storage disease, PYGM-related. This variant is predicted to lead to an abnormal or absent protein product due to the creation of a premature termination codon in PYGM, a gene where loss-of-function variants are known to be pathogenic. Please note: this variant was assessed in the context of healthy population screening.